The following is an entry in ClinVar:

NM_032043.3(BRIP1):c.287C>G (p.Thr96Arg)

Gene: BRIP1 (BRCA1 interacting DNA helicase 1; minus strand). Cytogenetic location: 17q23.2.
Variant type: single nucleotide variant.
Coding change: c.287C>G on transcript NM_032043.3 (MANE Select); coding-DNA position 287, C replaced by G.
Protein change: p.Thr96Arg; replaces threonine 96 with arginine.
Molecular consequence: missense variant.
Genome position (GRCh38, 1-based): chr17:61,857,150, G>C on the plus strand (C>G on the coding strand, the complement: BRIP1 is on the minus strand). VCF-style: chr17-61857150-G-C. GRCh37 (hg19) VCF-style: chr17-59934511-G-C.
Other names: short protein forms T96R.
Identifiers: ClinVar variation 1797150 (VCV001797150.2), dbSNP rs2078908690, ClinGen allele CA400485448.
Genomic context (GRCh38, chr17:61,857,150, plus strand): 5'-GAAGGTGGTGTGCTTGGATAGTTGAAATGACGTGAAGTTCCTTGGTTCATGTCATTGTTT[G>C]TAAAATCCTTTGAATGGCATGCACAACAACATGACAATTGTACTTCAGCTTTTTCACTTA-3'
Protein context (NP_114432.2, residues 86-106): CCCACHSKDF[Thr96Arg]NNDMNQGTSR

ClinVar aggregate classification (germline): Uncertain significance (1 of 4 stars; one submission).

Conditions:
Hereditary cancer-predisposing syndrome. Also called: Tumor predisposition; Hereditary Cancer Syndrome; Neoplastic Syndromes, Hereditary; Hereditary neoplastic syndrome. Identifiers: Orphanet 140162, MedGen C0027672, MeSH D009386, MONDO:0015356.

Submission:

Ambry Genetics
Classification: Uncertain significance for Hereditary cancer-predisposing syndrome. Last evaluated: 2021-05-23. Review status: criteria provided, single submitter. Criteria: Ambry Variant Classification Scheme 2023. Collection method: clinical testing. Allele origin: germline.
Comment: The p.T96R variant (also known as c.287C>G), located in coding exon 3 of the BRIP1 gene, results from a C to G substitution at nucleotide position 287. The threonine at codon 96 is replaced by arginine, an amino acid with similar properties. This amino acid position is not well conserved in available vertebrate species. In addition, this alteration is predicted to be tolerated by in silico analysis. Since supporting evidence is limited at this time, the clinical significance of this alteration remains unclear.